The following is an entry in ClinVar:

NM_000186.4(CFH):c.1949G>A (p.Gly650Glu)

Gene: CFH (complement factor H; plus strand). Cytogenetic location: 1q31.3.
Variant type: single nucleotide variant.
Coding change: c.1949G>A on transcript NM_000186.4 (MANE Select); coding-DNA position 1949, G replaced by A.
Protein change: p.Gly650Glu; replaces glycine 650 with glutamic acid.
Molecular consequence: missense variant.
Genome position (GRCh38, 1-based): chr1:196,726,545, G>A. VCF-style: chr1-196726545-G-A. GRCh37 (hg19) VCF-style: chr1-196695675-G-A.
Other names: short protein forms G650E.
Identifiers: ClinVar variation 4291435 (VCV004291435.1).

ClinVar aggregate classification (germline): Uncertain significance (1 of 4 stars; one submission).

Conditions:
Atypical hemolytic-uremic syndrome. Identifiers: Orphanet 2134, MedGen C2931788, MONDO:0016244.
Basal laminar drusen. Also called: DRUSEN OF BRUCH MEMBRANE; DRUSEN, CUTICULAR; DRUSEN, EARLY ADULT-ONSET, GROUPED. Identifiers: Orphanet 75376, MedGen C0730295, MONDO:0007472, OMIM 126700.
Factor H deficiency (CFHD). Also called: COMPLEMENT FACTOR H DEFICIENCY; CFH DEFICIENCY. Identifiers: Orphanet 200421, MedGen C0398777, MONDO:0012350, OMIM 609814.
Age related macular degeneration 4. Identifiers: MedGen C1853147, MONDO:0012540, OMIM 610698.

Submission:

Genomenon, Inc
Classification: Uncertain significance for Basal laminar drusen; Age related macular degeneration 4; Atypical hemolytic-uremic syndrome; Factor H deficiency. Last evaluated: 2025-10-02. Review status: criteria provided, single submitter. Criteria: Genomenon Sequence Variant Interpretation Standards - Updated. Collection method: curation. Allele origin: germline. Affected: no.
Comment: CFH p.Gly650Glu (c.1949G>A) is a missense variant that changes the amino acid at residue 650 from Glycine to Glutamic acid. This variant has been reported in the published literature (PMID:36211394). It is absent or not present at a significant frequency in gnomAD. In silico models agree that this variant is not damaging. In conclusion, we classify CFH p.Gly650Glu (c.1949G>A) as a variant of uncertain significance.

Literature cited by the submitters: PubMed 36211394.